The following is an entry in ClinVar:

ClinVar aggregate classification (germline): Likely benign. Review status: criteria provided, multiple submitters, no conflicts (2 of 4 stars). 2 submissions from 2 submitters: Likely benign (2). Last evaluated 2026-03-01.

gnomAD v4.1: 14 of 1,613,150 alleles (0.00087%); highest among the groups gnomAD compares: East Asian, 0.0022%; no homozygotes.

Submissions (2):

CeGaT Center for Human Genetics Tuebingen
Classification: Likely benign. Last evaluated: 2026-03-01. Review status: criteria provided, single submitter. Criteria: CeGaT Center For Human Genetics Tuebingen Variant Classification Criteria Version 2. Collection method: clinical testing. Allele origin: germline. Affected: yes. Observed: 2 variant alleles.
Comment: ASXL2: BP4, BP7

Labcorp Genetics (formerly Invitae), Labcorp
Classification: Likely benign. Last evaluated: 2024-10-24. Review status: criteria provided, single submitter. Criteria: Invitae Variant Classification Sherloc (09022015). Collection method: clinical testing. Allele origin: germline.

NM_018263.6(ASXL2):c.507G>A (p.Ala169=)

Gene: ASXL2 (ASXL transcriptional regulator 2; minus strand). Cytogenetic location: 2p23.3.
Variant type: single nucleotide variant.
Coding change: c.507G>A on transcript NM_018263.6 (MANE Select); coding-DNA position 507, G replaced by A.
Protein change: p.Ala169=; no amino-acid change (alanine 169 retained).
Molecular consequence: synonymous variant. On other transcripts: 5 prime UTR variant (1).
Genome position (GRCh38, 1-based): chr2:25,768,866, C>T on the plus strand (G>A on the coding strand, the complement: ASXL2 is on the minus strand). VCF-style: chr2-25768866-C-T. GRCh37 (hg19) VCF-style: chr2-25991735-C-T.
Other names: c.333G>A, p.Ala111= (NM_001369346.1); c.-274G>A (NM_001369347.1).
Identifiers: ClinVar variation 2650737 (VCV002650737.26), dbSNP rs773532286, ClinGen allele CA43716981.
Genomic context (GRCh38, chr2:25,768,866, plus strand): 5'-GGAGATGGATATGCTTGGCCTGCATTGCTGCTGCTGCTTCTTCTGCTGTTGCTGCTTTAG[C>T]GCCTATAAAGATAAAACAGACTATAAGAAACAAAACCAATCAGTTTTTTAGTAATAATAT-3'
Protein context (NP_060733.4, residues 159-179): QKHSKKALKQ[Ala169=]LKQQQQKKQQ